The following is an entry in ClinVar:

NM_144701.3(IL23R):c.839C>A (p.Ser280Ter)

Gene: IL23R (interleukin 23 receptor; plus strand). Cytogenetic location: 1p31.3.
Variant type: single nucleotide variant.
Coding change: c.839C>A on transcript NM_144701.3 (MANE Select); coding-DNA position 839, C replaced by A.
Protein change: p.Ser280Ter; replaces serine 280 with a stop codon.
Molecular consequence: nonsense.
Genome position (GRCh38, 1-based): chr1:67,219,614, C>A. VCF-style: chr1-67219614-C-A. GRCh37 (hg19) VCF-style: chr1-67685297-C-A.
Other names: short protein forms S280*.
Identifiers: ClinVar variation 3694391 (VCV003694391.2).

ClinVar aggregate classification (germline): Uncertain significance (1 of 4 stars; one submission).

gnomAD v4.1: 1 of 1,613,866 alleles (0.000062%); highest among the groups gnomAD compares: Non-Finnish European, 0.000085%; no homozygotes.

Submission:

Labcorp Genetics (formerly Invitae), Labcorp
Classification: Uncertain significance. Last evaluated: 2024-05-19. Review status: criteria provided, single submitter. Criteria: Invitae Variant Classification Sherloc (09022015). Collection method: clinical testing. Allele origin: germline.
Comment: This sequence change creates a premature translational stop signal (p.Ser280*) in the IL23R gene. It is expected to result in an absent or disrupted protein product. However, the current clinical and genetic evidence is not sufficient to establish whether loss-of-function variants in IL23R cause disease. This variant is present in population databases (no rsID available, gnomAD 0.007%). This variant has not been reported in the literature in individuals affected with IL23R-related conditions. In summary, the available evidence is currently insufficient to determine the role of this variant in disease. Therefore, it has been classified as a Variant of Uncertain Significance.